The following is an entry in ClinVar:

NM_007183.4(PKP3):c.642G>A (p.Ala214=)

Gene: PKP3 (plakophilin 3; plus strand). Cytogenetic location: 11p15.5.
Variant type: single nucleotide variant.
Coding change: c.642G>A on transcript NM_007183.4 (MANE Select); coding-DNA position 642, G replaced by A.
Protein change: p.Ala214=; no amino-acid change (alanine 214 retained).
Molecular consequence: synonymous variant.
Genome position (GRCh38, 1-based): chr11:397,143, G>A. VCF-style: chr11-397143-G-A. GRCh37 (hg19) VCF-style: chr11-397143-G-A.
Other names: c.687G>A, p.Ala229= (NM_001303029.2).
Identifiers: ClinVar variation 2641045 (VCV002641045.24), dbSNP rs201982353, ClinGen allele CA5775532.

ClinVar aggregate classification (germline): Likely benign (1 of 4 stars; one submission).

Allele frequency attached by ClinVar (database versions not stated): 1000 Genomes Project 30x 0.00047; 1000 Genomes Project 0.00060.
gnomAD v4.1: 310 of 1,597,940 alleles (0.019%); highest among the groups gnomAD compares: Middle Eastern, 0.22%; 2 homozygotes.

Submission:

CeGaT Center for Human Genetics Tuebingen
Classification: Likely benign. Last evaluated: 2023-03-01. Review status: criteria provided, single submitter. Criteria: CeGaT Center For Human Genetics Tuebingen Variant Classification Criteria Version 2. Collection method: clinical testing. Allele origin: germline. Affected: yes. Observed: 1 variant allele.
Comment: PKP3: BP4, BP7